The following is an entry in ClinVar:

NM_000829.4(GRIA4):c.775G>A (p.Val259Ile)

Gene: GRIA4 (glutamate ionotropic receptor AMPA type subunit 4; plus strand). Cytogenetic location: 11q22.3.
Variant type: single nucleotide variant.
Coding change: c.775G>A on transcript NM_000829.4 (MANE Select); coding-DNA position 775, G replaced by A.
Protein change: p.Val259Ile; replaces valine 259 with isoleucine.
Molecular consequence: missense variant. On other transcripts: non-coding transcript variant (1).
Genome position (GRCh38, 1-based): chr11:105,898,317, G>A. VCF-style: chr11-105898317-G-A. GRCh37 (hg19) VCF-style: chr11-105769043-G-A.
Other names: c.775G>A, p.Val259Ile (NM_001077243.3, NM_001077244.2, NM_001112812.2); short protein forms V259I.
Identifiers: ClinVar variation 3893360 (VCV003893360.1).

ClinVar aggregate classification (germline): Uncertain significance (1 of 4 stars; one submission).

gnomAD v4.1: 1 of 1,575,562 alleles (0.000063%); highest among the groups gnomAD compares: Non-Finnish European, 0.000087%; no homozygotes.

Submission:

GeneDx
Classification: Uncertain significance. Last evaluated: 2024-10-22. Review status: criteria provided, single submitter. Criteria: GeneDx Variant Classification Process June 2021. Collection method: clinical testing. Allele origin: germline. Affected: yes.
Comment: Not observed at significant frequency in large population cohorts (gnomAD); In silico analysis indicates that this missense variant does not alter protein structure/function; Has not been previously published as pathogenic or benign to our knowledge